The following is an entry in ClinVar:

NM_001145860.2(POP1):c.1679_1681del (p.Lys560del)

Gene: POP1 (POP1 ribonuclease P/MRP subunit; plus strand). Cytogenetic location: 8q22.2.
Variant type: Deletion.
Coding change: c.1679_1681del on transcript NM_001145860.2 (MANE Select); coding-DNA positions 1679 to 1681, 3 bases deleted (AGA; older notation c.1679_1681delAGA).
Protein change: p.Lys560del; deletes lysine 560.
Molecular consequence: inframe deletion.
Genome position (GRCh38, 1-based): chr8:98,146,652-98,146,654, AGA deleted; deleting any 3 consecutive bases within chr8:98,146,651-98,146,654 gives the same sequence; the c. name uses the placement nearest the transcript's 3' end. VCF-style (leftmost placement, unchanged base first): chr8-98146650-TAAG-T. GRCh37 (hg19) VCF-style: chr8-99158878-TAAG-T.
Other names: c.1679_1681del, p.Lys560del (NM_001145861.2, NM_015029.3); short protein forms K560del.
Identifiers: ClinVar variation 5018914 (VCV005018914.2).
Genomic context (GRCh38, chr8:98,146,650, plus strand): 5'-GCTTCTGGAGGGTGTGCCTGTGGAATGTACGCATAGCTTTATCTGGAACCAAGATATCTG[TAAG>T]AGTGTCACAGAGAATAAAATCTCGGATCAGGTAACTAATAGTGTAAGGGTTATTGGTAAA-3'

ClinVar aggregate classification (germline): Uncertain significance (1 of 4 stars; one submission).

Conditions:
Anauxetic dysplasia 2 (ANXD2). Identifiers: MedGen C4479357, MONDO:0054561, OMIM 617396.

Submission:

Juno Genomics, Hangzhou Juno Genomics, Inc
Classification: Uncertain significance for Anauxetic dysplasia 2. Review status: criteria provided, single submitter. Criteria: ACMG Guidelines, 2015. Collection method: clinical testing. Allele origin: germline.
Comment: Absent from controls (or at extremely low frequency if recessive) in Genome Aggregation Database.;Protein length changes due to in-frame deletions/insertions in a non-repeat region or stop-loss variants.